The following is an entry in ClinVar:

ClinVar aggregate classification (germline): Pathogenic (1 of 4 stars; one submission).

Conditions:
Cardiac anomalies - developmental delay - facial dysmorphism syndrome (MRFACD). Also called: Impaired intellectual development and distinctive facial features with or without cardiac defects; MED13L Syndrome. Identifiers: Orphanet 369891, MedGen C5192431, MONDO:0014773, OMIM 616789.

Submission:

Victorian Clinical Genetics Services, Murdoch Childrens Research Institute
Classification: Pathogenic for Cardiac anomalies - developmental delay - facial dysmorphism syndrome. Last evaluated: 2022-06-24. Review status: criteria provided, single submitter. Criteria: ACMG Guidelines, 2015. Collection method: clinical testing. Allele origin: germline. Inheritance: Autosomal dominant inheritance. Affected: yes.
Comment: Based on the classification scheme VCGS_Germline_v1.3.4, this variant is classified as Pathogenic. Following criteria are met: 0102 - Loss of function is a known mechanism of disease in this gene and is associated with impaired intellectual development and distinctive facial features with or without cardiac defects (MIM#616789). (I) 0107 - This gene is associated with autosomal dominant disease. (I) 0115 - Variants in this gene are known to have variable expressivity (PMID: 29511999). (I) 0201 - Variant is predicted to cause nonsense-mediated decay (NMD) and loss of protein (premature termination codon is located at least 54 nucleotides upstream of the final exon-exon junction). (SP) 0251 - This variant is heterozygous. (I) 0301 - Variant is absent from gnomAD (both v2 and v3). (SP) 0701 - Other NMD-predicted variants comparable to the one identified in this case have very strong previous evidence for pathogenicity. These variants have been reported many times as pathogenic (DECIPHER). (SP) 0807 - This variant has no previous evidence of pathogenicity. (I) 0905 - No published segregation evidence has been identified for this variant. (I) 1007 - No published functional evidence has been identified for this variant. (SP) Legend: (SP) - Supporting pathogenic, (I) - Information, (SB) - Supporting benign

Literature cited by the submitters: PubMed 29511999.

NM_015335.5(MED13L):c.3205C>T (p.Gln1069Ter)

Gene: MED13L (mediator complex subunit 13L; minus strand). Cytogenetic location: 12q24.21.
Variant type: single nucleotide variant.
Coding change: c.3205C>T on transcript NM_015335.5 (MANE Select); coding-DNA position 3205, C replaced by T.
Protein change: p.Gln1069Ter; replaces glutamine 1069 with a stop codon.
Molecular consequence: nonsense.
Genome position (GRCh38, 1-based): chr12:115,991,749, G>A on the plus strand (C>T on the coding strand, the complement: MED13L is on the minus strand). VCF-style: chr12-115991749-G-A. GRCh37 (hg19) VCF-style: chr12-116429554-G-A.
Other names: short protein forms Q1069*.
Identifiers: ClinVar variation 1699335 (VCV001699335.3), dbSNP rs2137307819, ClinGen allele CA386888744.